The following is an entry in ClinVar:

NM_000553.6(WRN):c.488A>C (p.Asp163Ala)

Gene: WRN (WRN RecQ like helicase; plus strand). Cytogenetic location: 8p12.
Variant type: single nucleotide variant.
Coding change: c.488A>C on transcript NM_000553.6 (MANE Select); coding-DNA position 488, A replaced by C.
Protein change: p.Asp163Ala; replaces aspartic acid 163 with alanine.
Molecular consequence: missense variant.
Genome position (GRCh38, 1-based): chr8:31,065,047, A>C. VCF-style: chr8-31065047-A-C. GRCh37 (hg19) VCF-style: chr8-30922563-A-C.
Other names: short protein forms D163A.
Identifiers: ClinVar variation 1449412 (VCV001449412.6), dbSNP rs769495252, ClinGen allele CA370915042.

ClinVar aggregate classification (germline): Uncertain significance (1 of 4 stars; one submission).

Conditions:
Werner syndrome (WRN). Identifiers: Orphanet 902, MedGen C0043119, MONDO:0010196, OMIM 277700.

gnomAD v4.1: 1 of 1,613,394 alleles (0.000062%); highest among the groups gnomAD compares: Non-Finnish European, 0.000085%; no homozygotes.

Submission:

Labcorp Genetics (formerly Invitae), Labcorp
Classification: Uncertain significance for Werner syndrome. Last evaluated: 2023-10-04. Review status: criteria provided, single submitter. Criteria: Invitae Variant Classification Sherloc (09022015). Collection method: clinical testing. Allele origin: germline.
Comment: This sequence change replaces aspartic acid, which is acidic and polar, with alanine, which is neutral and non-polar, at codon 163 of the WRN protein (p.Asp163Ala). This variant is not present in population databases (gnomAD no frequency). This variant has not been reported in the literature in individuals affected with WRN-related conditions. ClinVar contains an entry for this variant (Variation ID: 1449412). An algorithm developed to predict the effect of missense changes on protein structure and function (PolyPhen-2) suggests that this variant is likely to be disruptive. In summary, the available evidence is currently insufficient to determine the role of this variant in disease. Therefore, it has been classified as a Variant of Uncertain Significance.